The following is an entry in ClinVar:

ClinVar aggregate classification (germline): Uncertain significance (1 of 4 stars; one submission).

Allele frequency attached by ClinVar (database versions not stated): gnomAD 0.00001 and 0.00002.
gnomAD v4.1: 8 of 1,593,428 alleles (0.0005%); highest among the groups gnomAD compares: African/African-American, 0.0054%; no homozygotes.

Submission:

Labcorp Genetics (formerly Invitae), Labcorp
Classification: Uncertain significance. Last evaluated: 2022-04-20. Review status: criteria provided, single submitter. Criteria: Invitae Variant Classification Sherloc (09022015). Collection method: clinical testing. Allele origin: germline.
Comment: This sequence change replaces proline, which is neutral and non-polar, with threonine, which is neutral and polar, at codon 1012 of the PTPN23 protein (p.Pro1012Thr). This variant is present in population databases (no rsID available, gnomAD 0.007%). This variant has not been reported in the literature in individuals affected with PTPN23-related conditions. Algorithms developed to predict the effect of missense changes on protein structure and function output the following: SIFT: "Tolerated"; PolyPhen-2: "Not Available"; Align-GVGD: "Class C0". The threonine amino acid residue is found in multiple mammalian species, which suggests that this missense change does not adversely affect protein function. In summary, the available evidence is currently insufficient to determine the role of this variant in disease. Therefore, it has been classified as a Variant of Uncertain Significance.

NM_015466.4(PTPN23):c.3034C>A (p.Pro1012Thr)

Gene: PTPN23 (protein tyrosine phosphatase non-receptor type 23; plus strand). Cytogenetic location: 3p21.31.
Variant type: single nucleotide variant.
Coding change: c.3034C>A on transcript NM_015466.4 (MANE Select); coding-DNA position 3034, C replaced by A.
Protein change: p.Pro1012Thr; replaces proline 1012 with threonine.
Molecular consequence: missense variant.
Genome position (GRCh38, 1-based): chr3:47,410,832, C>A. VCF-style: chr3-47410832-C-A. GRCh37 (hg19) VCF-style: chr3-47452322-C-A.
Other names: c.2656C>A, p.Pro886Thr (NM_001304482.2); short protein forms P886T, P1012T.
Identifiers: ClinVar variation 1481739 (VCV001481739.5), dbSNP rs374554596, ClinGen allele CA352561017.